The following is an entry in ClinVar:

NM_006767.4(LZTR1):c.2183A>G (p.Tyr728Cys)

Gene: LZTR1 (leucine zipper like post translational regulator 1; plus strand). Cytogenetic location: 22q11.21.
Variant type: single nucleotide variant.
Coding change: c.2183A>G on transcript NM_006767.4 (MANE Select); coding-DNA position 2183, A replaced by G.
Protein change: p.Tyr728Cys; replaces tyrosine 728 with cysteine.
Molecular consequence: missense variant.
Genome position (GRCh38, 1-based): chr22:20,996,076, A>G. VCF-style: chr22-20996076-A-G. GRCh37 (hg19) VCF-style: chr22-21350365-A-G.
Other names: short protein forms Y728C.
Identifiers: ClinVar variation 2496783 (VCV002496783.6), dbSNP rs2518624671, ClinGen allele CA410779979.

ClinVar aggregate classification (germline): Uncertain significance. Review status: criteria provided, multiple submitters, no conflicts (2 of 4 stars). 3 submissions from 3 submitters: Uncertain significance (3). Last evaluated 2025-06-12.

Conditions:
Hereditary cancer-predisposing syndrome. Also called: Neoplastic Syndromes, Hereditary; Hereditary neoplastic syndrome; Tumor predisposition; Hereditary Cancer Syndrome. Identifiers: Orphanet 140162, MedGen C0027672, MeSH D009386, MONDO:0015356.
Cardiovascular phenotype. Identifiers: MedGen CN230736.
LZTR1-related schwannomatosis. Also called: Schwannomatosis 2; Schwannomatosis-2, susceptibility to. Identifiers: Orphanet 93921, MedGen C3810283, MONDO:0014299, OMIM 615670.

Submissions (3):

Labcorp Genetics (formerly Invitae), Labcorp
Classification: Uncertain significance. Last evaluated: 2025-06-12. Review status: criteria provided, single submitter. Criteria: Invitae Variant Classification Sherloc (09022015). Collection method: clinical testing. Allele origin: germline.
Comment: This sequence change replaces tyrosine, which is neutral and polar, with cysteine, which is neutral and slightly polar, at codon 728 of the LZTR1 protein (p.Tyr728Cys). This variant is not present in population databases (gnomAD no frequency). This variant has not been reported in the literature in individuals affected with LZTR1-related conditions. ClinVar contains an entry for this variant (Variation ID: 2496783). Invitae Evidence Modeling of protein sequence and biophysical properties (such as structural, functional, and spatial information, amino acid conservation, physicochemical variation, residue mobility, and thermodynamic stability) indicates that this missense variant is not expected to disrupt LZTR1 protein function with a negative predictive value of 80%. In summary, the available evidence is currently insufficient to determine the role of this variant in disease. Therefore, it has been classified as a Variant of Uncertain Significance.

Baylor Genetics
Classification: Uncertain significance for LZTR1-related schwannomatosis. Last evaluated: 2024-02-07. Review status: criteria provided, single submitter. Criteria: ACMG Guidelines, 2015. Collection method: clinical testing. Allele origin: unknown.

Ambry Genetics
Classification: Uncertain significance for Cardiovascular phenotype; Hereditary cancer-predisposing syndrome. Last evaluated: 2022-11-03. Review status: criteria provided, single submitter. Criteria: Ambry Variant Classification Scheme 2023. Collection method: clinical testing. Allele origin: germline.
Comment: The p.Y728C variant (also known as c.2183A>G), located in coding exon 18 of the LZTR1 gene, results from an A to G substitution at nucleotide position 2183. The tyrosine at codon 728 is replaced by cysteine, an amino acid with highly dissimilar properties. This amino acid position is conserved. In addition, this alteration is predicted to be deleterious by in silico analysis. Since supporting evidence is limited at this time, the clinical significance of this alteration remains unclear.